The following is an entry in ClinVar:

NM_001378414.1(HDAC4):c.2175C>T (p.Thr725=)

Gene: HDAC4 (histone deacetylase 4; minus strand). Cytogenetic location: 2q37.3.
Variant type: single nucleotide variant.
Coding change: c.2175C>T on transcript NM_001378414.1 (MANE Select); coding-DNA position 2175, C replaced by T.
Protein change: p.Thr725=; no amino-acid change (threonine 725 retained).
Molecular consequence: synonymous variant.
Genome position (GRCh38, 1-based): chr2:239,102,834, G>A on the plus strand (C>T on the coding strand, the complement: HDAC4 is on the minus strand). VCF-style: chr2-239102834-G-A. GRCh37 (hg19) VCF-style: chr2-240024530-G-A.
Other names: c.2175C>T, p.Thr725= (NM_001378415.1); c.2160C>T, p.Thr720= (NM_001378416.1, NM_001378417.1, NM_006037.4).
Identifiers: ClinVar variation 3347597 (VCV003347597.1).
Genomic context (GRCh38, chr2:239,102,834, plus strand): 5'-ACCTAGAAGTTTCTTACTGTCCAGTTTCTGCCGGTTGAGGGGGTTCGTGCCATACAGGAG[G>A]GTGTGGGCTTCCGAGTGCACCGTCTGTAGCTCCTCCAGGGTGGCCTTGCGTCCGCGGATG-3'
Protein context (NP_001365343.1, residues 715-735): ELQTVHSEAH[Thr725=]LLYGTNPLNR

ClinVar aggregate classification (germline): Likely benign (0 of 4 stars; one submission).

Conditions:
HDAC4-related disorder. Also called: HDAC4-related condition.

gnomAD v4.1: 10 of 1,613,808 alleles (0.00062%); highest among the groups gnomAD compares: African/African-American, 0.0053%; no homozygotes.

Submission:

PreventionGenetics, part of Exact Sciences
Classification: Likely benign for HDAC4-related condition. Last evaluated: 2024-08-01. Review status: no assertion criteria provided. Collection method: clinical testing. Allele origin: germline.
Comment: This variant is classified as likely benign based on ACMG/AMP sequence variant interpretation guidelines (Richards et al. 2015 PMID: 25741868, with internal and published modifications).